The following is an entry in ClinVar:

NM_016580.4(PCDH12):c.2374G>A (p.Gly792Arg)

Genes: PCDH12 (protocadherin 12; minus strand), RNF14 (ring finger protein 14; plus strand). Cytogenetic location: 5q31.3.
Variant type: single nucleotide variant.
Coding change: c.2374G>A on transcript NM_016580.4 (MANE Select); coding-DNA position 2374, G replaced by A.
Protein change: p.Gly792Arg; replaces glycine 792 with arginine.
Molecular consequence: missense variant.
Genome position (GRCh38, 1-based): chr5:141,955,478, C>T on the plus strand (G>A on the coding strand, the complement: PCDH12 is on the minus strand). VCF-style: chr5-141955478-C-T. GRCh37 (hg19) VCF-style: chr5-141335043-C-T.
Other names: c.2374G>A (NM_016580.2); short protein forms G792R.
Identifiers: ClinVar variation 1805761 (VCV001805761.7), dbSNP rs138811155, ClinGen allele CA3484228.

ClinVar aggregate classification (germline): Conflicting classifications of pathogenicity. Review status: criteria provided, conflicting classifications (1 of 4 stars). 4 submissions from 4 submitters: Uncertain significance (3); Likely benign (1). Last evaluated 2026-06-01.

Conditions:
Inborn genetic diseases. Identifiers: MedGen C0950123, MeSH D030342.
Diencephalic-mesencephalic junction dysplasia syndrome 1 (DMJDS1). Also called: Microcephaly with spastic quadriplegia. Identifiers: MedGen C4538630, MONDO:0009625, OMIM 251280.

Allele frequency attached by ClinVar (database versions not stated): gnomAD 0.00003; TOPMed 0.00006; ExAC 0.00008; ESP Exome Variant Server 0.00015.
gnomAD v4.1: 61 of 1,613,952 alleles (0.0038%); highest among the groups gnomAD compares: Middle Eastern, 0.099%; no homozygotes.

Submissions (4):

CeGaT Center for Human Genetics Tuebingen
Classification: Uncertain significance. Last evaluated: 2026-06-01. Review status: criteria provided, single submitter. Criteria: CeGaT Center For Human Genetics Tuebingen Variant Classification Criteria Version 2. Collection method: clinical testing. Allele origin: germline. Affected: yes. Observed: 1 variant allele.
Comment: PCDH12: PM2, BP4

Ambry Genetics
Classification: Likely benign for Inborn genetic diseases. Last evaluated: 2024-04-18. Review status: criteria provided, single submitter. Criteria: Ambry Variant Classification Scheme 2023. Collection method: clinical testing. Allele origin: germline.

Labcorp Genetics (formerly Invitae), Labcorp
Classification: Uncertain significance. Last evaluated: 2022-06-01. Review status: criteria provided, single submitter. Criteria: Invitae Variant Classification Sherloc (09022015). Collection method: clinical testing. Allele origin: germline.
Comment: This sequence change replaces glycine, which is neutral and non-polar, with arginine, which is basic and polar, at codon 792 of the PCDH12 protein (p.Gly792Arg). This variant is present in population databases (rs138811155, gnomAD 0.04%). This variant has not been reported in the literature in individuals affected with PCDH12-related conditions. Advanced modeling of protein sequence and biophysical properties (such as structural, functional, and spatial information, amino acid conservation, physicochemical variation, residue mobility, and thermodynamic stability) performed at Invitae indicates that this missense variant is not expected to disrupt PCDH12 protein function. In summary, the available evidence is currently insufficient to determine the role of this variant in disease. Therefore, it has been classified as a Variant of Uncertain Significance.

Victorian Clinical Genetics Services, Murdoch Childrens Research Institute
Classification: Uncertain significance for Diencephalic-mesencephalic junction dysplasia syndrome 1. Last evaluated: 2020-05-25. Review status: criteria provided, single submitter. Criteria: ACMG Guidelines, 2015. Collection method: clinical testing. Allele origin: germline. Inheritance: Autosomal recessive inheritance.
Comment: Based on the classification scheme VCGS_Germline_v1.1.1, this variant is classified as VOUS. Following criteria are met: 0102 - Loss-of-function is a known mechanism of disease for this gene. (N) 0106 - This gene is known to be associated with autosomal recessive disease. (N) 0200 - Variant is predicted to result in a missense amino acid change from glycine to arginine (exon 1). (N) 0251 - Variant is heterozygous. (N) 0304 - Variant is present in gnomAD <0.01 for a recessive condition (20 Heterozygous, 0 Homozygous). (P) 0503 - Missense variant consistently predicted to be tolerated or not conserved in mammals with a minor amino acid change. (B) 0604 - Variant is not located in an established domain, motif, hotspot or informative constraint region. (N) 0705 - No comparable variants have previous evidence for pathogenicity. (N) 0807 - Variant has not previously been reported in a clinical context. (N) 0905 - No segregation evidence has been identified for this variant. (N) 1007 - No published functional evidence has been identified for this variant. (N) 1208 - Segregation information for this variant is not currently available. (N)